The following is an entry in ClinVar:

ClinVar aggregate classification (germline): Uncertain significance (1 of 4 stars; one submission).

Allele frequency attached by ClinVar (database versions not stated): gnomAD exomes 0.00001.
gnomAD v4.1: 4 of 1,499,360 alleles (0.00027%); highest among the groups gnomAD compares: Admixed American, 0.0064%; no homozygotes.

Submission:

Labcorp Genetics (formerly Invitae), Labcorp
Classification: Uncertain significance. Last evaluated: 2022-10-24. Review status: criteria provided, single submitter. Criteria: Invitae Variant Classification Sherloc (09022015). Collection method: clinical testing. Allele origin: germline.
Comment: This sequence change replaces leucine, which is neutral and non-polar, with arginine, which is basic and polar, at codon 88 of the LIPT2 protein (p.Leu88Arg). This variant is not present in population databases (gnomAD no frequency). This variant has not been reported in the literature in individuals affected with LIPT2-related conditions. Algorithms developed to predict the effect of missense changes on protein structure and function are either unavailable or do not agree on the potential impact of this missense change (SIFT: "Not Available"; PolyPhen-2: "Probably Damaging"; Align-GVGD: "Not Available"). In summary, the available evidence is currently insufficient to determine the role of this variant in disease. Therefore, it has been classified as a Variant of Uncertain Significance.

NM_001144869.3(LIPT2):c.263T>G (p.Leu88Arg)

Genes: LIPT2 (lipoyl(octanoyl) transferase 2; minus strand), LIPT2-AS1 (LIPT2 antisense RNA 1; plus strand). Cytogenetic location: 11q13.4.
Variant type: single nucleotide variant.
Coding change: c.263T>G on transcript NM_001144869.3 (MANE Select); coding-DNA position 263, T replaced by G.
Protein change: p.Leu88Arg; replaces leucine 88 with arginine.
Molecular consequence: missense variant. On other transcripts: non-coding transcript variant (1), intron variant (1).
Genome position (GRCh38, 1-based): chr11:74,493,441, A>C on the plus strand (T>G on the coding strand, the complement: LIPT2 is on the minus strand). VCF-style: chr11-74493441-A-C. GRCh37 (hg19) VCF-style: chr11-74204486-A-C.
Other names: c.263T>G, p.Leu88Arg (NM_001329941.2); c.237+26T>G (NM_001329942.2); short protein forms L88R.
Identifiers: ClinVar variation 2163207 (VCV002163207.3), dbSNP rs2496153087, ClinGen allele CA381976745.